The following is an entry in ClinVar:

ClinVar aggregate classification (germline): Likely benign. Review status: criteria provided, single submitter (1 of 4 stars). 2 submissions from 2 submitters: Likely benign (1). 1 of the submissions does not count toward it. Last evaluated 2023-01-28.

Conditions:
Hereditary spastic paraplegia 49 (HSAN9). Also called: TECPR2-Related Hereditary Sensory and Autonomic Neuropathy with Intellectual Disability; Spastic paraplegia 49, autosomal recessive; NEUROPATHY, HEREDITARY SENSORY AND AUTONOMIC, TYPE IX, WITH DEVELOPMENTAL DELAY. Identifiers: Orphanet 320385, MedGen C5190860, MONDO:0014016, OMIM 615031.
TECPR2-related disorder. Also called: TECPR2-related condition.

Allele frequency attached by ClinVar (database versions not stated): gnomAD exomes below 0.00001; ExAC 0.00001; gnomAD 0.00003; TOPMed 0.00004.
gnomAD v4.1: 12 of 1,614,002 alleles (0.00074%); highest among the groups gnomAD compares: African/African-American, 0.0093%; no homozygotes.

Submissions (2):

Labcorp Genetics (formerly Invitae), Labcorp
Classification: Likely benign for Hereditary spastic paraplegia 49. Last evaluated: 2023-01-28. Review status: criteria provided, single submitter. Criteria: Invitae Variant Classification Sherloc (09022015). Collection method: clinical testing. Allele origin: germline.

PreventionGenetics, part of Exact Sciences
Classification: Likely benign for TECPR2-related condition. Last evaluated: 2019-06-28. Review status: no assertion criteria provided. Collection method: clinical testing. Allele origin: germline. Not counted in ClinVar's aggregate classification.
Comment: This variant is classified as likely benign based on ACMG/AMP sequence variant interpretation guidelines (Richards et al. 2015 PMID: 25741868, with internal and published modifications).

NM_014844.5(TECPR2):c.717G>A (p.Gly239=)

Gene: TECPR2 (tectonin beta-propeller repeat containing 2; plus strand). Cytogenetic location: 14q32.31.
Variant type: single nucleotide variant.
Coding change: c.717G>A on transcript NM_014844.5 (MANE Select); coding-DNA position 717, G replaced by A.
Protein change: p.Gly239=; no amino-acid change (glycine 239 retained).
Molecular consequence: synonymous variant.
Genome position (GRCh38, 1-based): chr14:102,425,057, G>A. VCF-style: chr14-102425057-G-A. GRCh37 (hg19) VCF-style: chr14-102891394-G-A.
Other names: c.717G>A, p.Gly239= (NM_001172631.3); c.717G>A (NM_014844.4).
Identifiers: ClinVar variation 699524 (VCV000699524.13), dbSNP rs755693156, ClinGen allele CA7357513.